The following is an entry in ClinVar:

ClinVar aggregate classification (germline): Likely pathogenic (1 of 4 stars; one submission).

Conditions:
Usher syndrome type 1C. Also called: USHER SYNDROME, TYPE I, ACADIAN VARIETY. Identifiers: Orphanet 231169, Orphanet 886, MedGen C1848604, MONDO:0010171, OMIM 276904.

Submission:

Myriad Genetics, Inc.
Classification: Likely pathogenic for Usher syndrome type 1C. Last evaluated: 2022-02-01. Review status: criteria provided, single submitter. Criteria: Myriad Women's Health Autosomal Recessive and X-Linked Classification Criteria (2021). Collection method: clinical testing. Allele origin: unknown.
Comment: NM_005709.3(USH1C):c.1459delC(R487Gfs*11) is expected to be pathogenic in the context of USH1C-related disorders. This variant is predicted to lead to an abnormal or absent protein product due to the creation of a premature termination codon in USH1C, a gene where loss-of-function variants are known to be pathogenic. Please note: this variant was assessed in the context of healthy population screening.

NM_153676.4(USH1C):c.2359del (p.Arg787fs)

Gene: USH1C (USH1 protein network component harmonin; minus strand). Cytogenetic location: 11p15.1.
Variant type: Deletion.
Coding change: c.2359del on transcript NM_153676.4 (MANE Select); coding-DNA position 2359, one base deleted (C; older notation c.2359delC).
Protein change: p.Arg787fs; shifts the reading frame from arginine 787.
Molecular consequence: frameshift variant. On other transcripts: non-coding transcript variant (1).
Genome position (GRCh38, 1-based): chr11:17,501,072, G deleted on the plus strand (C on the coding strand, the reverse complement: USH1C is on the minus strand). VCF-style (leftmost placement, unchanged base first): chr11-17501071-CG-C. GRCh37 (hg19) VCF-style: chr11-17522618-CG-C.
Other names: c.1402del, p.Arg468fs (NM_001297764.2); c.1459del, p.Arg487fs (NM_005709.4); short protein forms R468fs, R487fs, R787fs.
Identifiers: ClinVar variation 1724199 (VCV001724199.2), dbSNP rs2496999266, ClinGen allele CA2580082889.